The following is an entry in ClinVar:

NM_018076.5(ODAD2):c.1997G>C (p.Arg666Pro)

Gene: ODAD2 (outer dynein arm docking complex subunit 2; minus strand). Cytogenetic location: 10p12.1.
Variant type: single nucleotide variant.
Coding change: c.1997G>C on transcript NM_018076.5 (MANE Select); coding-DNA position 1997, G replaced by C.
Protein change: p.Arg666Pro; replaces arginine 666 with proline.
Molecular consequence: missense variant.
Genome position (GRCh38, 1-based): chr10:27,939,997, C>G on the plus strand (G>C on the coding strand, the complement: ODAD2 is on the minus strand). VCF-style: chr10-27939997-C-G. GRCh37 (hg19) VCF-style: chr10-28228926-C-G.
Other names: c.1997G>C, p.Arg666Pro (NM_001290020.2); c.572G>C, p.Arg191Pro (NM_001290021.2); c.1073G>C, p.Arg358Pro (NM_001312689.2); c.1997G>C (NM_018076.4); short protein forms R666P, R358P, R191P.
Identifiers: ClinVar variation 698302 (VCV000698302.15), dbSNP rs35472668, ClinGen allele CA5453331.
Genomic context (GRCh38, chr10:27,939,997, plus strand): 5'-TTCTCACTATTTAGGTTCTTGACAAGGTTTTCAATGATCCTTTCTGCTTTGATTGCAGCC[C>G]GGTAGTTTTCCTAGGAATAAAAACCTACATATTTATGTGTTCAAGACGTGAATATAAGTA-3'
Protein context (NP_060546.2, residues 656-676): LQECASEENY[Arg666Pro]AAIKAERIIE

ClinVar aggregate classification (germline): Conflicting classifications of pathogenicity. Review status: criteria provided, conflicting classifications (1 of 4 stars). 4 submissions from 4 submitters: Uncertain significance (1); Benign (1); Likely benign (1). 1 of the submissions does not count toward it. Last evaluated 2026-08-06.

Conditions:
Primary ciliary dyskinesia 23 (CILD23). Also called: CILIARY DYSKINESIA, PRIMARY, 23, WITH OR WITHOUT SITUS INVERSUS. Identifiers: Orphanet 244, MedGen C3809548, MONDO:0014193, OMIM 615451.
Primary ciliary dyskinesia. Also called: Ciliary dyskinesia. Identifiers: Orphanet 244, MedGen C0008780, MONDO:0016575, HP:0012265.
ODAD2-related disorder. Also called: ODAD2-related condition.

Allele frequency attached by ClinVar (database versions not stated): TOPMed 0.00130; 1000 Genomes Project 0.00300; 1000 Genomes Project 30x 0.00312.
gnomAD v4.1: 375 of 1,602,990 alleles (0.023%); highest among the groups gnomAD compares: African/African-American, 0.46%; no homozygotes.

Submissions (4):

OLLIN Analises Genomicas, OLLIN
Classification: Uncertain significance for Primary ciliary dyskinesia 23. Last evaluated: 2026-08-06. Review status: criteria provided, single submitter. Criteria: ACMG Guidelines 2015 PMID 25741868. Collection method: clinical testing. Allele origin: germline.
Comment: This missense variant, located in exon 14 (of 20), has been reported in ClinVar (accession VCV000698302.14) and in gnomAD with an allele frequency of 0.023%. However, to our knowledge, it has not been reported in the scientific literature. In silico analysis predicts that this variant has a deleterious effect. This gene has high tolerance to missense variation. According to the currently available evidence, this variant has been classified as uncertain significance (PP3_M, BP1).

Labcorp Genetics (formerly Invitae), Labcorp
Classification: Likely benign for Primary ciliary dyskinesia 23. Last evaluated: 2026-01-15. Review status: criteria provided, single submitter. Criteria: Invitae Variant Classification Sherloc (09022015). Collection method: clinical testing. Allele origin: germline.

Ambry Genetics
Classification: Benign for Primary ciliary dyskinesia. Last evaluated: 2017-10-31. Review status: criteria provided, single submitter. Criteria: Ambry Variant Classification Scheme 2023. Collection method: clinical testing. Allele origin: germline.

PreventionGenetics, part of Exact Sciences
Classification: Likely benign for ODAD2-related condition. Last evaluated: 2023-03-15. Review status: no assertion criteria provided. Collection method: clinical testing. Allele origin: germline. Not counted in ClinVar's aggregate classification.
Comment: This variant is classified as likely benign based on ACMG/AMP sequence variant interpretation guidelines (Richards et al. 2015 PMID: 25741868, with internal and published modifications).